The following is an entry in ClinVar:

NM_000516.7(GNAS):c.683G>A (p.Arg228His)

Gene: GNAS (GNAS complex locus; plus strand). Cytogenetic location: 20q13.32.
Variant type: single nucleotide variant.
Coding change: c.683G>A on transcript NM_000516.7 (MANE Select); coding-DNA position 683, G replaced by A.
Protein change: p.Arg228His; replaces arginine 228 with histidine.
Molecular consequence: missense variant. On other transcripts: 3 prime UTR variant (2).
Genome position (GRCh38, 1-based): chr20:58,909,544, G>A. VCF-style: chr20-58909544-G-A. GRCh37 (hg19) VCF-style: chr20-57484599-G-A.
Other names: c.2612G>A, p.Arg871His (NM_080425.4); c.641G>A, p.Arg214His (NM_080426.4); c.686G>A, p.Arg229His (NM_001077488.5); c.638G>A, p.Arg213His (NM_001077489.4); c.*544G>A (NM_001077490.3); c.506G>A, p.Arg169His (NM_001309840.2, NM_001309861.2); c.*589G>A (NM_016592.5); short protein forms R169H, R213H, R214H, R228H, R229H, R871H.
Identifiers: ClinVar variation 1686708 (VCV001686708.3), dbSNP rs1317816474, ClinGen allele CA409452306.

ClinVar aggregate classification (germline): Uncertain significance. Review status: criteria provided, multiple submitters, no conflicts (2 of 4 stars). 2 submissions from 2 submitters: Uncertain significance (2). Last evaluated 2022-05-10.

Conditions:
McCune-Albright syndrome (MAS). Also called: Albright's Syndrome; Fibrous Dysplasia / McCune-Albright Syndrome; ALBRIGHT SYNDROME; McCune-Albright syndrome, somatic, mosaic; Albright's disease. Identifiers: Orphanet 562, MedGen C0242292, MONDO:0018919, OMIM 174800.
Pseudohypoparathyroidism type I A (PHP1A). Also called: PHP IA; Pseudohypoparathyroidism type 1A; Pseudohypoparathyroidism Type IA; Pseudohypoparathyroidism Ia (PHP-Ia); ALBRIGHT HEREDITARY OSTEODYSTROPHY WITH MULTIPLE HORMONE RESISTANCE. Identifiers: Orphanet 79443, MedGen C3494506, MONDO:0007078, OMIM 103580.
Pituitary adenoma 3, multiple types. Also called: PITUITARY ADENOMA 3, ACTH-SECRETING, SOMATIC; PITUITARY ADENOMA 3, GROWTH HORMONE-SECRETING, SOMATIC. Identifiers: MedGen C4540135, MONDO:0054665, OMIM 617686.
ACTH-independent macronodular adrenal hyperplasia 1 (AIMAH1). Also called: CUSHING SYNDROME, ADRENAL, DUE TO AIMAH; ADRENOCORTICOTROPIC HORMONE-INDEPENDENT MACRONODULAR ADRENAL HYPERPLASIA; ACTH-independent macronodular adrenal hyperplasia, somatic; CORTICOTROPIN-INDEPENDENT MACRONODULAR ADRENAL HYPERPLASIA; ACTH-INDEPENDENT MACRONODULAR ADRENOCORTICAL HYPERPLASIA. Identifiers: MedGen C1857451, MONDO:0020735, OMIM 219080.
Pseudohypoparathyroidism type 1C (PHP1C). Also called: PHP IC; PSEUDOHYPOPARATHYROIDISM, TYPE IC; Pseudohypoparathyroidism Ic (PHP-Ic). Identifiers: Orphanet 79444, MedGen C2932716, MONDO:0012911, OMIM 612462.
Progressive osseous heteroplasia (POH). Also called: Osseus Heteroplasia, Progressive; Progressive Osseus Heteroplasia (POH); ECTOPIC OSSIFICATION, FAMILIAL; Osteoma cutis. Identifiers: Orphanet 2762, MedGen C0334041, MONDO:0008153, OMIM 166350, HP:0025027.
Pseudohypoparathyroidism type 1B (PHP1B). Also called: PHP IB; Pseudohypoparathyroidism Type IB; Pseudohypoparathyroidism Ib (PHP-Ib). Identifiers: Orphanet 94089, MedGen C1864100, MONDO:0011301, OMIM 603233.
Pseudopseudohypoparathyroidism (PPHP). Also called: ALBRIGHT HEREDITARY OSTEODYSTROPHY WITHOUT MULTIPLE HORMONE RESISTANCE; Pseudopseudohypoparathyroidism (PPHP). Identifiers: Orphanet 79445, MedGen C0033835, MONDO:0012912, OMIM 612463.

Allele frequency attached by ClinVar (database versions not stated): gnomAD exomes below 0.00001; TOPMed below 0.00001; gnomAD 0.00001.
gnomAD v4.1: 5 of 1,614,048 alleles (0.00031%); highest among the groups gnomAD compares: Non-Finnish European, 0.00034%; no homozygotes.

Submissions (2):

GeneDx
Classification: Uncertain significance. Last evaluated: 2022-05-10. Review status: criteria provided, single submitter. Criteria: GeneDx Variant Classification Process June 2021. Collection method: clinical testing. Allele origin: germline. Affected: yes.
Comment: Has not been previously published as pathogenic or benign to our knowledge; In silico analysis supports that this missense variant has a deleterious effect on protein structure/function

Fulgent Genetics
Classification: Uncertain significance for Pseudohypoparathyroidism type I A; Progressive osseous heteroplasia; McCune-Albright syndrome; ACTH-independent macronodular adrenal hyperplasia 1; Pseudohypoparathyroidism type 1B; Pseudohypoparathyroidism type 1C; Pseudopseudohypoparathyroidism; Pituitary adenoma 3, multiple types. Last evaluated: 2021-08-12. Review status: criteria provided, single submitter. Criteria: ACMG Guidelines, 2015. Collection method: clinical testing. Allele origin: unknown.